The following is an entry in ClinVar:

NM_001378454.1(ALMS1):c.11009G>C (p.Arg3670Thr)

Gene: ALMS1 (ALMS1 centrosome and basal body associated protein; plus strand). Cytogenetic location: 2p13.1.
Variant type: single nucleotide variant.
Coding change: c.11009G>C on transcript NM_001378454.1 (MANE Select); coding-DNA position 11009, G replaced by C.
Protein change: p.Arg3670Thr; replaces arginine 3670 with threonine.
Molecular consequence: missense variant.
Genome position (GRCh38, 1-based): chr2:73,572,886, G>C. VCF-style: chr2-73572886-G-C. GRCh37 (hg19) VCF-style: chr2-73800013-G-C.
Other names: c.11012G>C, p.Arg3671Thr (NM_015120.4); short protein forms R3671T, R3670T.
Identifiers: ClinVar variation 1516706 (VCV001516706.6), dbSNP rs1674969661, ClinGen allele CA347286847.

ClinVar aggregate classification (germline): Uncertain significance. Review status: criteria provided, multiple submitters, no conflicts (2 of 4 stars). 2 submissions from 2 submitters: Uncertain significance (2). Last evaluated 2022-03-30.

Conditions:
Alstrom syndrome (ALMS). Identifiers: Orphanet 64, MedGen C0268425, MONDO:0008763, OMIM 203800.

Allele frequency attached by ClinVar (database versions not stated): TOPMed below 0.00001.

Submissions (2):

New York Genome Center
Classification: Uncertain significance for Alstrom syndrome. Last evaluated: 2022-03-30. Review status: criteria provided, single submitter. Criteria: NYGC Assertion Criteria 2020. Collection method: clinical testing. Allele origin: germline. Observed: 1 heterozygote.

Labcorp Genetics (formerly Invitae), Labcorp
Classification: Uncertain significance for Alstrom syndrome. Last evaluated: 2022-03-18. Review status: criteria provided, single submitter. Criteria: Invitae Variant Classification Sherloc (09022015). Collection method: clinical testing. Allele origin: germline.
Comment: This sequence change replaces arginine, which is basic and polar, with threonine, which is neutral and polar, at codon 3671 of the ALMS1 protein (p.Arg3671Thr). This variant is not present in population databases (gnomAD no frequency). This variant has not been reported in the literature in individuals affected with ALMS1-related conditions. Experimental studies and prediction algorithms are not available or were not evaluated, and the functional significance of this variant is currently unknown. In summary, the available evidence is currently insufficient to determine the role of this variant in disease. Therefore, it has been classified as a Variant of Uncertain Significance.